The following is an entry in ClinVar:

NM_006648.4(WNK2):c.2035C>A (p.Pro679Thr)

Gene: WNK2 (WNK lysine deficient protein kinase 2; plus strand). Cytogenetic location: 9q22.31.
Variant type: single nucleotide variant.
Coding change: c.2035C>A on transcript NM_006648.4 (MANE Select); coding-DNA position 2035, C replaced by A.
Protein change: p.Pro679Thr; replaces proline 679 with threonine.
Molecular consequence: missense variant.
Genome position (GRCh38, 1-based): chr9:93,256,299, C>A. VCF-style: chr9-93256299-C-A. GRCh37 (hg19) VCF-style: chr9-96018581-C-A.
Other names: c.2035C>A, p.Pro679Thr (NM_001282394.3); short protein forms P679T.
Identifiers: ClinVar variation 4605411 (VCV004605411.1).

ClinVar aggregate classification (germline): Uncertain significance (1 of 4 stars; one submission).

Submission:

Ambry Genetics
Classification: Uncertain significance. Last evaluated: 2025-12-01. Review status: criteria provided, single submitter. Criteria: Ambry Variant Classification Scheme 2023. Collection method: clinical testing. Allele origin: germline.
Comment: The p.P679T variant (also known as c.2035C>A) is located in coding exon 9 of the WNK2 gene. The proline at codon 679 is replaced by threonine, an amino acid with highly similar properties. This change occurs in the first base pair of coding exon 9. This amino acid position is conserved. In addition, this alteration is predicted to be tolerated by in silico analysis. Based on the available evidence, the clinical significance of this variant remains unclear.